The following is an entry in ClinVar:

ClinVar aggregate classification (germline): Likely pathogenic. Review status: reviewed by expert panel (3 of 4 stars). 5 submissions from 5 submitters: Likely pathogenic (1). 4 of the submissions do not count toward it. Last evaluated 2024-07-30.

Conditions:
Inborn genetic diseases. Identifiers: MedGen C0950123, MeSH D030342.
Severe myoclonic epilepsy in infancy (DRVT). Also called: SEVERE MYOCLONIC EPILEPSY OF INFANCY; DEVELOPMENTAL AND EPILEPTIC ENCEPHALOPATHY 6A; Severe Myoclonic Epilepsy in Infancy (SMEI); Dravet syndrome; Epileptic encephalopathy, early infantile, 6 (Dravet syndrome). Identifiers: Orphanet 33069, MedGen C0751122, MONDO:0100135, OMIM 607208.
Generalized epilepsy with febrile seizures plus, type 2 (GEFSP2). Also called: GEFS+, TYPE 2. Identifiers: Orphanet 36387, MedGen C1858673, MONDO:0011461, OMIM 604403.
Early-infantile DEE. Also called: Ohtahara syndrome; Early infantile epileptic encephalopathy; Early infantile epileptic encephalopathy with suppression bursts. Identifiers: Orphanet 1934, MedGen C0393706, MONDO:0800491.
Generalized epilepsy with febrile seizures plus. Also called: Generalized Epilepsy with Febrile Seizures Plus (GEFS+). Identifiers: Orphanet 36387, MedGen C3502809, MONDO:0018214.

Submissions (5):

ClinGen Epilepsy Sodium Channel Variant Curation Expert Panel, Clingen
Classification: Likely pathogenic for Generalized epilepsy with febrile seizures plus. Last evaluated: 2024-07-30. Review status: reviewed by expert panel. Criteria: ClinGen EpilepsySCN ACMG Specifications SCN1A V1.0.0. Collection method: curation. Allele origin: germline. Inheritance: Autosomal dominant inheritance.
Comment: The c.1709G>A variant in SCN1A is a missense variant predicted to cause substitution of serine by asparagine at amino acid 570 (p.Ser570Asp). The variant has been identified in multiple unrelated individuals meeting criteria for generalized epilepsy with febrile seizures plus or an unspecified epilepsy condition (PS4)(internal lab contributors). This variant was observed in one unaffected parent (internal lab contributors). It is absent from the population database gnomAD v2.1.1 and v4.1.0 (PM2_Supporting). The computational predictor REVEL gives a score of 0.852, which is above the threshold of 0.773, evidence that correlates with a maximum strength of PP3_Moderate. Additionally, another missense variant in the same codon c.1709G>T, p.S570I in the same codon reaches likely pathogenic based on current criteria (PM5_Supporting). In summary, this variant meets the criteria to be classified as likely pathogenic for autosomal dominant generalized epilepsy with febrile seizures plus based on the ACMG/AMP criteria applied, as specified by the ClinGen Epilepsy Sodium Channel VCEP: PS4, PM2_Supporting, PP3_Moderate, PM5_Supporting. (version 1.0; March 26, 2024).

GeneDx
Classification: Uncertain significance. Last evaluated: 2026-08-04. Review status: criteria provided, single submitter. Criteria: GeneDx Variant Classification Process June 2021. Collection method: clinical testing. Allele origin: germline. Not counted in ClinVar's aggregate classification.
Comment: Reported previously in an aggregate de-identified exome sequencing dataset in the heterozygous state in a child; however, no clinical details were provided and segregation data was unavailable (PMID: 27959697); Not observed at significant frequency in large population cohorts (gnomAD); This substitution is predicted to be within the cytoplasmic loop between the first and second homologous domains; In silico analysis supports that this missense variant has a deleterious effect on protein structure/function; This variant is associated with the following publications: (PMID: 35074891, 28202706, 27959697)

Labcorp Genetics (formerly Invitae), Labcorp
Classification: Likely pathogenic for Early-infantile DEE. Last evaluated: 2024-03-27. Review status: criteria provided, single submitter. Criteria: Invitae Variant Classification Sherloc (09022015). Collection method: clinical testing. Allele origin: germline. Not counted in ClinVar's aggregate classification.
Comment: This sequence change replaces serine, which is neutral and polar, with asparagine, which is neutral and polar, at codon 570 of the SCN1A protein (p.Ser570Asn). This variant is not present in population databases (gnomAD no frequency). This missense change has been observed in individual(s) with clinical features of SCN1A-related conditions (PMID: 27959697). ClinVar contains an entry for this variant (Variation ID: 374331). Advanced modeling of protein sequence and biophysical properties (such as structural, functional, and spatial information, amino acid conservation, physicochemical variation, residue mobility, and thermodynamic stability) performed at Invitae indicates that this missense variant is expected to disrupt SCN1A protein function with a positive predictive value of 95%. This variant disrupts the p.Ser570 amino acid residue in SCN1A. Other variant(s) that disrupt this residue have been determined to be pathogenic (PMID: 28202706, 35074891). This suggests that this residue is clinically significant, and that variants that disrupt this residue are likely to be disease-causing. In summary, the currently available evidence indicates that the variant is pathogenic, but additional data are needed to prove that conclusively. Therefore, this variant has been classified as Likely Pathogenic.

Ambry Genetics
Classification: Uncertain significance for Inborn genetic diseases. Last evaluated: 2017-08-25. Review status: criteria provided, single submitter. Criteria: Ambry Variant Classification Scheme 2023. Collection method: clinical testing. Allele origin: germline. Not counted in ClinVar's aggregate classification.
Comment: The p.S570N variant (also known as c.1709G>A), located in coding exon 11 of the SCN1A gene, results from a G to A substitution at nucleotide position 1709. The serine at codon 570 is replaced by asparagine, an amino acid with highly similar properties. This amino acid position is highly conserved in available vertebrate species. In addition, this alteration is predicted to be deleterious by in silico analysis. Since supporting evidence is limited at this time, the clinical significance of this alteration remains unclear.

Baylor Genetics
Classification: Uncertain significance for Severe myoclonic epilepsy in infancy; Generalized epilepsy with febrile seizures plus, type 2. Last evaluated: 2015-01-25. Review status: no assertion criteria provided. Collection method: clinical testing. Allele origin: paternal. Inheritance: Autosomal dominant inheritance. Affected: yes. Observed: 1 variant allele, 1 heterozygote. Not counted in ClinVar's aggregate classification.

Literature cited by the submitters: PubMed 27959697 (cited by Labcorp Genetics (formerly Invitae), Labcorp); PubMed 28202706 (cited by Labcorp Genetics (formerly Invitae), Labcorp); PubMed 35074891 (cited by Labcorp Genetics (formerly Invitae), Labcorp).

NM_001165963.4(SCN1A):c.1709G>A (p.Ser570Asn)

Gene: SCN1A (sodium voltage-gated channel alpha subunit 1; minus strand). Cytogenetic location: 2q24.3.
Variant type: single nucleotide variant.
Coding change: c.1709G>A on transcript NM_001165963.4 (MANE Select); coding-DNA position 1709, G replaced by A.
Protein change: p.Ser570Asn; replaces serine 570 with asparagine.
Molecular consequence: missense variant. On other transcripts: 5 prime UTR variant (1), non-coding transcript variant (1).
Genome position (GRCh38, 1-based): chr2:166,044,003, C>T on the plus strand (G>A on the coding strand, the complement: SCN1A is on the minus strand). VCF-style: chr2-166044003-C-T. GRCh37 (hg19) VCF-style: chr2-166900513-C-T.
Other names: NM_001165963.4(SCN1A):c.1709G>A; p.Ser570Asn; c.1709G>A, p.Ser570Asn (NM_001165964.3, NM_001202435.3, NM_001353948.2 and 7 more transcripts); c.1706G>A, p.Ser569Asn (NM_001353954.2, NM_001353955.2, NM_001353960.2); c.-717G>A (NM_001353961.2); short protein forms S570N, S569N.
Identifiers: ClinVar variation 374331 (VCV000374331.21), dbSNP rs1057518703, ClinGen allele CA16043652.